The following is an entry in ClinVar:

NM_144687.4(NLRP12):c.1804G>A (p.Asp602Asn)

Gene: NLRP12 (NLR family pyrin domain containing 12; minus strand). Cytogenetic location: 19q13.42.
Variant type: single nucleotide variant.
Coding change: c.1804G>A on transcript NM_144687.4 (MANE Select); coding-DNA position 1804, G replaced by A.
Protein change: p.Asp602Asn; replaces aspartic acid 602 with asparagine.
Molecular consequence: missense variant.
Genome position (GRCh38, 1-based): chr19:53,809,855, C>T on the plus strand (G>A on the coding strand, the complement: NLRP12 is on the minus strand). VCF-style: chr19-53809855-C-T. GRCh37 (hg19) VCF-style: chr19-54313109-C-T.
Other names: c.1804G>A, p.Asp602Asn (NM_001277126.2, NM_001277129.1); c.1804G>A (NM_144687.3); short protein forms D602N.
Identifiers: ClinVar variation 2843932 (VCV002843932.4), dbSNP rs780296520, ClinGen allele CA9639348.

ClinVar aggregate classification (germline): Uncertain significance. Review status: criteria provided, single submitter (1 of 4 stars). 2 submissions from 2 submitters: Uncertain significance (1). 1 of the submissions does not count toward it. Last evaluated 2023-04-28.

Conditions:
NLRP12-related disorder. Also called: NLRP12-related condition; NLRP12-related conditions.
Familial cold autoinflammatory syndrome 2 (FCAS2). Identifiers: Orphanet 247868, MedGen C2673198, MONDO:0012724, OMIM 611762.

Allele frequency attached by ClinVar (database versions not stated): TOPMed below 0.00001; ExAC 0.00001.
gnomAD v4.1: 6 of 1,614,128 alleles (0.00037%); highest among the groups gnomAD compares: Non-Finnish European, 0.00042%; no homozygotes.

Submissions (2):

Labcorp Genetics (formerly Invitae), Labcorp
Classification: Uncertain significance for Familial cold autoinflammatory syndrome 2. Last evaluated: 2023-04-28. Review status: criteria provided, single submitter. Criteria: Invitae Variant Classification Sherloc (09022015). Collection method: clinical testing. Allele origin: germline.
Comment: This sequence change replaces aspartic acid, which is acidic and polar, with asparagine, which is neutral and polar, at codon 602 of the NLRP12 protein (p.Asp602Asn). This variant is present in population databases (rs780296520, gnomAD 0.002%). This variant has not been reported in the literature in individuals affected with NLRP12-related conditions. An algorithm developed to predict the effect of missense changes on protein structure and function (PolyPhen-2) suggests that this variant is likely to be tolerated. In summary, the available evidence is currently insufficient to determine the role of this variant in disease. Therefore, it has been classified as a Variant of Uncertain Significance.

PreventionGenetics, part of Exact Sciences
Classification: Uncertain significance for NLRP12-related condition. Last evaluated: 2024-07-24. Review status: no assertion criteria provided. Collection method: clinical testing. Allele origin: germline. Not counted in ClinVar's aggregate classification.
Comment: The NLRP12 c.1804G>A variant is predicted to result in the amino acid substitution p.Asp602Asn. To our knowledge, this variant has not been reported in the literature. This variant is reported in 0.0018% of alleles in individuals of European (Non-Finnish) descent in gnomAD. At this time, the clinical significance of this variant is uncertain due to the absence of conclusive functional and genetic evidence.